The following is an entry in ClinVar:

ClinVar aggregate classification (germline): Uncertain significance (1 of 4 stars; one submission).

Submission:

GeneDx
Classification: Uncertain significance. Last evaluated: 2023-11-21. Review status: criteria provided, single submitter. Criteria: GeneDx Variant Classification Process June 2021. Collection method: clinical testing. Allele origin: germline. Affected: yes.
Comment: Frameshift variant predicted to result in protein truncation or nonsense mediated decay in a gene for which loss of function is a known mechanism of disease; Has not been previously published as pathogenic or benign to our knowledge

NM_001190.4(BCAT2):c.416dup (p.Asp140fs)

Gene: BCAT2 (branched chain amino acid transaminase 2; minus strand). Cytogenetic location: 19q13.33.
Variant type: Duplication.
Coding change: c.416dup on transcript NM_001190.4 (MANE Select); coding-DNA position 416, one base duplicated (T; older notation c.416dupT).
Protein change: p.Asp140fs; shifts the reading frame from aspartic acid 140.
Molecular consequence: frameshift variant.
Genome position (GRCh38, 1-based): chr19:48,800,096, A duplicated on the plus strand (T on the coding strand, the reverse complement: BCAT2 is on the minus strand); the first of 3 consecutive A bases (chr19:48,800,096-48,800,098); duplicating any one gives the same sequence. VCF-style (leftmost placement, unchanged base first): chr19-48800095-G-GA. GRCh37 (hg19) VCF-style: chr19-49303352-G-GA.
Other names: c.140dup, p.Asp48fs (NM_001164773.2); c.296dup, p.Asp100fs (NM_001284325.2); short protein forms D100fs, D140fs, D48fs.
Identifiers: ClinVar variation 3364732 (VCV003364732.1).